The following is an entry in ClinVar:

NM_000081.4(LYST):c.7228G>A (p.Glu2410Lys)

Gene: LYST (lysosomal trafficking regulator; minus strand). Cytogenetic location: 1q42.3.
Variant type: single nucleotide variant.
Coding change: c.7228G>A on transcript NM_000081.4 (MANE Select); coding-DNA position 7228, G replaced by A.
Protein change: p.Glu2410Lys; replaces glutamic acid 2410 with lysine.
Molecular consequence: missense variant.
Genome position (GRCh38, 1-based): chr1:235,755,479, C>T on the plus strand (G>A on the coding strand, the complement: LYST is on the minus strand). VCF-style: chr1-235755479-C-T. GRCh37 (hg19) VCF-style: chr1-235918779-C-T.
Other names: c.7228G>A, p.Glu2410Lys (NM_001301365.1); short protein forms E2410K.
Identifiers: ClinVar variation 525171 (VCV000525171.1), dbSNP rs1047455080, ClinGen allele CA39614393.

ClinVar aggregate classification (germline): Uncertain significance (1 of 4 stars; one submission).

Conditions:
Chédiak-Higashi syndrome (CHS). Also called: Chediak-Higashi Syndrome. Identifiers: Orphanet 167, MedGen C0007965, MONDO:0008963, OMIM 214500.

Allele frequency attached by ClinVar (database versions not stated): gnomAD exomes below 0.00001.
gnomAD v4.1: 1 of 1,611,002 alleles (0.000062%); highest among the groups gnomAD compares: Non-Finnish European, 0.000085%; no homozygotes.

Submission:

Labcorp Genetics (formerly Invitae), Labcorp
Classification: Uncertain significance for Chédiak-Higashi syndrome. Last evaluated: 2017-11-19. Review status: criteria provided, single submitter. Criteria: Invitae Variant Classification Sherloc (09022015). Collection method: clinical testing. Allele origin: germline.
Comment: This sequence change replaces glutamic acid with lysine at codon 2410 of the LYST protein (p.Glu2410Lys). The glutamic acid residue is moderately conserved and there is a small physicochemical difference between glutamic acid and lysine. This variant is not present in population databases (ExAC no frequency). This variant has not been reported in the literature in individuals with LYST-related disease. Algorithms developed to predict the effect of missense changes on protein structure and function (SIFT, PolyPhen-2, Align-GVGD) all suggest that this variant is likely to be tolerated, but these predictions have not been confirmed by published functional studies and their clinical significance is uncertain. In summary, the available evidence is currently insufficient to determine the role of this variant in disease. Therefore, it has been classified as a Variant of Uncertain Significance.